The following is an entry in ClinVar:

NM_005228.5(EGFR):c.2473A>G (p.Met825Val)

Gene: EGFR (epidermal growth factor receptor; plus strand). Cytogenetic location: 7p11.2.
Variant type: single nucleotide variant.
Coding change: c.2473A>G on transcript NM_005228.5 (MANE Select); coding-DNA position 2473, A replaced by G.
Protein change: p.Met825Val; replaces methionine 825 with valine.
Molecular consequence: missense variant.
Genome position (GRCh38, 1-based): chr7:55,191,722, A>G. VCF-style: chr7-55191722-A-G. GRCh37 (hg19) VCF-style: chr7-55259415-A-G.
Other names: c.2338A>G, p.Met780Val (NM_001346897.2, NM_001346899.2); c.2473A>G, p.Met825Val (NM_001346898.2); c.2314A>G, p.Met772Val (NM_001346900.2); c.1672A>G, p.Met558Val (NM_001346941.2); short protein forms M558V, M772V, M780V, M825V.
Identifiers: ClinVar variation 3692898 (VCV003692898.3).

ClinVar aggregate classification (germline): Uncertain significance. Review status: criteria provided, multiple submitters, no conflicts (2 of 4 stars). 2 submissions from 2 submitters: Uncertain significance (2). Last evaluated 2026-02-23.

Conditions:
EGFR-related lung cancer (EGFR). Identifiers: MedGen CN130014.
Hereditary cancer-predisposing syndrome. Also called: Hereditary Cancer Syndrome; Neoplastic Syndromes, Hereditary; Tumor predisposition; Hereditary neoplastic syndrome. Identifiers: Orphanet 140162, MedGen C0027672, MeSH D009386, MONDO:0015356.

Submissions (2):

Ambry Genetics
Classification: Uncertain significance for Hereditary cancer-predisposing syndrome. Last evaluated: 2026-02-23. Review status: criteria provided, single submitter. Criteria: Ambry Variant Classification Scheme 2023. Collection method: clinical testing. Allele origin: germline.
Comment: The p.M825V variant (also known as c.2473A>G), located in coding exon 21 of the EGFR gene, results from an A to G substitution at nucleotide position 2473. The methionine at codon 825 is replaced by valine, an amino acid with highly similar properties. This amino acid position is highly conserved in available vertebrate species. In addition, this alteration is predicted to be deleterious by in silico analysis. Based on the available evidence, the clinical significance of this variant remains unclear.

Labcorp Genetics (formerly Invitae), Labcorp
Classification: Uncertain significance for EGFR-related lung cancer. Last evaluated: 2024-10-29. Review status: criteria provided, single submitter. Criteria: Invitae Variant Classification Sherloc (09022015). Collection method: clinical testing. Allele origin: germline.
Comment: This sequence change replaces methionine, which is neutral and non-polar, with valine, which is neutral and non-polar, at codon 825 of the EGFR protein (p.Met825Val). This variant is not present in population databases (gnomAD no frequency). This variant has not been reported in the literature in individuals affected with EGFR-related conditions. Invitae Evidence Modeling of protein sequence and biophysical properties (such as structural, functional, and spatial information, amino acid conservation, physicochemical variation, residue mobility, and thermodynamic stability) indicates that this missense variant is expected to disrupt EGFR protein function with a positive predictive value of 80%. In summary, the available evidence is currently insufficient to determine the role of this variant in disease. Therefore, it has been classified as a Variant of Uncertain Significance.